The following is an entry in ClinVar:

NM_031935.3(HMCN1):c.6941G>A (p.Cys2314Tyr)

Gene: HMCN1 (hemicentin 1; plus strand). Cytogenetic location: 1q31.1.
Variant type: single nucleotide variant.
Coding change: c.6941G>A on transcript NM_031935.3 (MANE Select); coding-DNA position 6941, G replaced by A.
Protein change: p.Cys2314Tyr; replaces cysteine 2314 with tyrosine.
Molecular consequence: missense variant.
Genome position (GRCh38, 1-based): chr1:186,055,471, G>A. VCF-style: chr1-186055471-G-A. GRCh37 (hg19) VCF-style: chr1-186024603-G-A.
Other names: short protein forms C2314Y.
Identifiers: ClinVar variation 1521244 (VCV001521244.6), dbSNP rs1657250072, ClinGen allele CA343901942.

ClinVar aggregate classification (germline): Uncertain significance (1 of 4 stars; one submission).

Allele frequency attached by ClinVar (database versions not stated): TOPMed below 0.00001; gnomAD 0.00001; gnomAD exomes 0.00001.
gnomAD v4.1: 5 of 1,612,686 alleles (0.00031%); highest among the groups gnomAD compares: Non-Finnish European, 0.00042%; no homozygotes.

Submission:

Labcorp Genetics (formerly Invitae), Labcorp
Classification: Uncertain significance. Last evaluated: 2024-12-03. Review status: criteria provided, single submitter. Criteria: Invitae Variant Classification Sherloc (09022015). Collection method: clinical testing. Allele origin: germline.
Comment: This sequence change replaces cysteine, which is neutral and slightly polar, with tyrosine, which is neutral and polar, at codon 2314 of the HMCN1 protein (p.Cys2314Tyr). This variant is not present in population databases (gnomAD no frequency). This variant has not been reported in the literature in individuals affected with HMCN1-related conditions. ClinVar contains an entry for this variant (Variation ID: 1521244). An algorithm developed to predict the effect of missense changes on protein structure and function (PolyPhen-2) suggests that this variant is likely to be disruptive. In summary, the available evidence is currently insufficient to determine the role of this variant in disease. Therefore, it has been classified as a Variant of Uncertain Significance.